The following is an entry in ClinVar:

NM_000321.3(RB1):c.370A>G (p.Ile124Val)

Gene: RB1 (RB transcriptional corepressor 1; plus strand). Cytogenetic location: 13q14.2.
Variant type: single nucleotide variant.
Coding change: c.370A>G on transcript NM_000321.3 (MANE Select); coding-DNA position 370, A replaced by G.
Protein change: p.Ile124Val; replaces isoleucine 124 with valine.
Molecular consequence: missense variant.
Genome position (GRCh38, 1-based): chr13:48,342,704, A>G. VCF-style: chr13-48342704-A-G. GRCh37 (hg19) VCF-style: chr13-48916840-A-G.
Other names: short protein forms I124V.
Identifiers: ClinVar variation 575347 (VCV000575347.14), dbSNP rs769858139, ClinGen allele CA037766.

ClinVar aggregate classification (germline): Conflicting classifications of pathogenicity. Review status: criteria provided, conflicting classifications (1 of 4 stars). 2 submissions from 2 submitters: Uncertain significance (1); Likely benign (1). Last evaluated 2025-12-17.

Conditions:
Hereditary cancer-predisposing syndrome. Also called: Neoplastic Syndromes, Hereditary; Hereditary neoplastic syndrome; Tumor predisposition; Hereditary Cancer Syndrome. Identifiers: Orphanet 140162, MedGen C0027672, MeSH D009386, MONDO:0015356.
Retinoblastoma (RB1). Also called: RETINOBLASTOMA, SOMATIC. Identifiers: Orphanet 790, MedGen C0035335, MeSH D012175, MONDO:0008380, OMIM 180200, HP:0009919. Disease mechanism: loss of function. Inheritance: Both sporadic and heritable forms are tested..

Allele frequency attached by ClinVar (database versions not stated): gnomAD exomes below 0.00001 and 0.00001; TOPMed below 0.00001; ExAC 0.00001; gnomAD 0.00001.
gnomAD v4.1: 6 of 1,598,910 alleles (0.00038%); highest among the groups gnomAD compares: South Asian, 0.0011%; no homozygotes.

Submissions (2):

Ambry Genetics
Classification: Likely benign for Hereditary cancer-predisposing syndrome. Last evaluated: 2025-12-17. Review status: criteria provided, single submitter. Criteria: Ambry Variant Classification Scheme 2023. Collection method: clinical testing. Allele origin: germline.

Labcorp Genetics (formerly Invitae), Labcorp
Classification: Uncertain significance for Retinoblastoma. Last evaluated: 2025-09-03. Review status: criteria provided, single submitter. Criteria: Invitae Variant Classification Sherloc (09022015). Collection method: clinical testing. Allele origin: germline.
Comment: This sequence change replaces isoleucine, which is neutral and non-polar, with valine, which is neutral and non-polar, at codon 124 of the RB1 protein (p.Ile124Val). This variant is present in population databases (rs769858139, gnomAD 0.004%). This variant has not been reported in the literature in individuals affected with RB1-related conditions. ClinVar contains an entry for this variant (Variation ID: 575347). Invitae Evidence Modeling of protein sequence and biophysical properties (such as structural, functional, and spatial information, amino acid conservation, physicochemical variation, residue mobility, and thermodynamic stability) indicates that this missense variant is not expected to disrupt RB1 protein function with a negative predictive value of 80%. In summary, the available evidence is currently insufficient to determine the role of this variant in disease. Therefore, it has been classified as a Variant of Uncertain Significance.